The following is an entry in ClinVar:

ClinVar aggregate classification (germline): Conflicting classifications of pathogenicity. Review status: criteria provided, conflicting classifications (1 of 4 stars). 4 submissions from 4 submitters: Uncertain significance (1); Likely benign (2). 1 of the submissions does not count toward it. Last evaluated 2026-01-28.

Conditions:
Idiopathic Pulmonary Fibrosis. Also called: Idiopathic fibrosing alveolitis, chronic form; idiopathic fibrosing alveolitis. Identifiers: Orphanet 2032, MedGen C1800706, MeSH D054990, MONDO:0800504.
Dyskeratosis congenita, autosomal dominant 2. Identifiers: MedGen C3151443, MONDO:0013521, OMIM 613989.
TERT-related disorder. Also called: TERT-related condition; TERT-related disorders.
Dyskeratosis congenita. Identifiers: Orphanet 1775, MedGen C0265965, MONDO:0015780.

Allele frequency attached by ClinVar (database versions not stated): gnomAD exomes below 0.00001 and 0.00001.
gnomAD v4.1: 8 of 1,570,826 alleles (0.00051%); highest among the groups gnomAD compares: South Asian, 0.0047%; no homozygotes.

Submissions (4):

Labcorp Genetics (formerly Invitae), Labcorp
Classification: Likely benign for Dyskeratosis congenita, autosomal dominant 2; Idiopathic Pulmonary Fibrosis. Last evaluated: 2026-01-28. Review status: criteria provided, single submitter. Criteria: Invitae Variant Classification Sherloc (09022015). Collection method: clinical testing. Allele origin: germline.

Ambry Genetics
Classification: Likely benign for Dyskeratosis congenita. Last evaluated: 2022-05-19. Review status: criteria provided, single submitter. Criteria: Ambry Variant Classification Scheme 2023. Collection method: clinical testing. Allele origin: germline.

Sema4
Classification: Uncertain significance for Dyskeratosis congenita. Last evaluated: 2021-08-16. Review status: criteria provided, single submitter. Criteria: Sema4 Curation Guidelines. Collection method: curation. Allele origin: germline.
Comment: The TERT c.3018G>C (p.L1006=) variant has not been reported in the literature to our knowledge. It was observed in 1/24206 chromosomes of the South Asian subpopulation in the large and broad cohorts of the Genome Aggregation Database (PMID: 32461654). The variant has not been reported in ClinVar. Splice site prediction tools suggest the variant may disrupt normal splicing, however these predictions have not been confirmed by transcriptional studies. The evidence is insufficient to meet ACMG/AMP criteria for classifying the variant as benign or pathogenic. Thus, the clinical significance of this variant is currently uncertain.

PreventionGenetics, part of Exact Sciences
Classification: Likely benign for TERT-related condition. Last evaluated: 2024-02-22. Review status: no assertion criteria provided. Collection method: clinical testing. Allele origin: germline. Not counted in ClinVar's aggregate classification.
Comment: This variant is classified as likely benign based on ACMG/AMP sequence variant interpretation guidelines (Richards et al. 2015 PMID: 25741868, with internal and published modifications).

NM_198253.3(TERT):c.3018G>C (p.Leu1006=)

Gene: TERT (telomerase reverse transcriptase; minus strand). Cytogenetic location: 5p15.33.
Variant type: single nucleotide variant.
Coding change: c.3018G>C on transcript NM_198253.3 (MANE Select); coding-DNA position 3018, G replaced by C.
Protein change: p.Leu1006=; no amino-acid change (leucine 1006 retained).
Molecular consequence: synonymous variant. On other transcripts: non-coding transcript variant (2).
Genome position (GRCh38, 1-based): chr5:1,258,612, C>G on the plus strand (G>C on the coding strand, the complement: TERT is on the minus strand). VCF-style: chr5-1258612-C-G. GRCh37 (hg19) VCF-style: chr5-1258727-C-G.
Other names: c.2829G>C, p.Leu943= (NM_001193376.3).
Identifiers: ClinVar variation 1669881 (VCV001669881.13), dbSNP rs941352340, ClinGen allele CA443020720.